The following is an entry in ClinVar:

NM_001843.4(CNTN1):c.623A>G (p.Asn208Ser)

Gene: CNTN1 (contactin 1; plus strand). Cytogenetic location: 12q12.
Variant type: single nucleotide variant.
Coding change: c.623A>G on transcript NM_001843.4 (MANE Select); coding-DNA position 623, A replaced by G.
Protein change: p.Asn208Ser; replaces asparagine 208 with serine.
Molecular consequence: missense variant.
Genome position (GRCh38, 1-based): chr12:40,929,922, A>G. VCF-style: chr12-40929922-A-G. GRCh37 (hg19) VCF-style: chr12-41323724-A-G.
Other names: c.623A>G, p.Asn208Ser (NM_001256063.2, NM_001256064.2); c.590A>G, p.Asn197Ser (NM_175038.2); short protein forms N197S, N208S.
Identifiers: ClinVar variation 3377858 (VCV003377858.1).

ClinVar aggregate classification (germline): Uncertain significance (1 of 4 stars; one submission).

gnomAD v4.1: 1 of 1,612,912 alleles (0.000062%); highest among the groups gnomAD compares: Non-Finnish European, 0.000085%; no homozygotes.

Submission:

GeneDx
Classification: Uncertain significance. Last evaluated: 2024-05-17. Review status: criteria provided, single submitter. Criteria: GeneDx Variant Classification Process June 2021. Collection method: clinical testing. Allele origin: germline. Affected: yes.
Comment: Not observed at significant frequency in large population cohorts (gnomAD); In silico analysis supports that this missense variant has a deleterious effect on protein structure/function; Has not been previously published as pathogenic or benign to our knowledge